The following is an entry in ClinVar:

ClinVar aggregate classification (germline): Uncertain significance (1 of 4 stars; one submission).

Conditions:
WDPCP-related disorder. Also called: WDPCP-related condition.

Submission:

PreventionGenetics, part of Exact Sciences
Classification: Uncertain significance for WDPCP-related condition. Last evaluated: 2026-06-08. Review status: criteria provided, single submitter. Criteria: ACMG Guidelines, 2015. Collection method: clinical testing. Allele origin: germline.
Comment: The WDPCP c.1501A>T variant is predicted to result in the amino acid substitution p.Ile501Phe. To our knowledge, this variant has not been reported in the literature or in a large population database (gnomAD), indicating this variant is rare. At this time, the clinical significance of this variant is uncertain due to the absence of conclusive functional and genetic evidence.

NM_015910.7(WDPCP):c.1501A>T (p.Ile501Phe)

Gene: WDPCP (WD repeat containing planar cell polarity effector; minus strand). Cytogenetic location: 2p15.
Variant type: single nucleotide variant.
Coding change: c.1501A>T on transcript NM_015910.7 (MANE Select); coding-DNA position 1501, A replaced by T.
Protein change: p.Ile501Phe; replaces isoleucine 501 with phenylalanine.
Molecular consequence: missense variant. On other transcripts: non-coding transcript variant (3).
Genome position (GRCh38, 1-based): chr2:63,382,029, T>A on the plus strand (A>T on the coding strand, the complement: WDPCP is on the minus strand). VCF-style: chr2-63382029-T-A. GRCh37 (hg19) VCF-style: chr2-63609164-T-A.
Other names: c.1024A>T, p.Ile342Phe (NM_001042692.3); c.1429A>T, p.Ile477Phe (NM_001354044.2); c.1501A>T, p.Ile501Phe (NM_001354045.2); short protein forms I342F, I477F, I501F.
Identifiers: ClinVar variation 4996631 (VCV004996631.1).